The following is an entry in ClinVar:

NM_000124.4(ERCC6):c.2795A>G (p.Tyr932Cys)

Genes: ERCC6 (ERCC excision repair 6, chromatin remodeling factor; minus strand), LOC126860933 (BRD4-independent group 4 enhancer GRCh37_chr10:50679962-50681161; plus strand). Cytogenetic location: 10q11.23.
Variant type: single nucleotide variant.
Coding change: c.2795A>G on transcript NM_000124.4 (MANE Select); coding-DNA position 2795, A replaced by G.
Protein change: p.Tyr932Cys; replaces tyrosine 932 with cysteine.
Molecular consequence: missense variant.
Genome position (GRCh38, 1-based): chr10:49,472,943, T>C on the plus strand (A>G on the coding strand, the complement: ERCC6 is on the minus strand). VCF-style: chr10-49472943-T-C. GRCh37 (hg19) VCF-style: chr10-50680989-T-C.
Other names: c.2795A>G, p.Tyr932Cys (NM_001346440.2); short protein forms Y932C.
Identifiers: ClinVar variation 2068440 (VCV002068440.2), dbSNP rs147121546, ClinGen allele CA5495532.
Genomic context (GRCh38, chr10:49,472,943, plus strand): 5'-CTTTTAAAAAAAAAATAAAAACAAACCTGCGTGTCCGTGCTTGGGTTCCAGTCTGGGTCA[T>C]AGATGACAACTCTGTTTGCCCCCGTCAGGTTGACACCTAAGCCGCCCACCCGCGTGGTCA-3'
Protein context (NP_000115.1, residues 922-942): NLTGANRVVI[Tyr932Cys]DPDWNPSTDT

ClinVar aggregate classification (germline): Uncertain significance. Review status: criteria provided, multiple submitters, no conflicts (2 of 4 stars). 2 submissions from 2 submitters: Uncertain significance (2). Last evaluated 2024-07-29.

Allele frequency attached by ClinVar (database versions not stated): TOPMed 0.00003; gnomAD 0.00007; gnomAD exomes 0.00007; ExAC 0.00012; ESP Exome Variant Server 0.00015.
gnomAD v4.1: 120 of 1,613,770 alleles (0.0074%); highest among the groups gnomAD compares: South Asian, 0.059%; 2 homozygotes.

Submissions (2):

Blueprint Genetics
Classification: Uncertain significance. Last evaluated: 2024-07-29. Review status: criteria provided, single submitter. Criteria: ACMG Guidelines, 2015. Collection method: clinical testing. Allele origin: germline.

Labcorp Genetics (formerly Invitae), Labcorp
Classification: Uncertain significance. Last evaluated: 2022-09-28. Review status: criteria provided, single submitter. Criteria: Invitae Variant Classification Sherloc (09022015). Collection method: clinical testing. Allele origin: germline.
Comment: This sequence change replaces tyrosine, which is neutral and polar, with cysteine, which is neutral and slightly polar, at codon 932 of the ERCC6 protein (p.Tyr932Cys). This variant is present in population databases (rs147121546, gnomAD 0.05%). This variant has not been reported in the literature in individuals affected with ERCC6-related conditions. Advanced modeling of protein sequence and biophysical properties (such as structural, functional, and spatial information, amino acid conservation, physicochemical variation, residue mobility, and thermodynamic stability) performed at Invitae indicates that this missense variant is expected to disrupt ERCC6 protein function. In summary, the available evidence is currently insufficient to determine the role of this variant in disease. Therefore, it has been classified as a Variant of Uncertain Significance.